The following is an entry in ClinVar:

NC_000003.11:g.(?_4403818)_(4459826_?)del

Gene: SUMF1 (sulfatase modifying factor 1; minus strand). Cytogenetic location: 3p26.1.
Variant type: Deletion.
Identifiers: ClinVar variation 1070280 (VCV001070280.7).

ClinVar aggregate classification (germline): Pathogenic (1 of 4 stars; one submission).

Conditions:
Multiple sulfatase deficiency (MSD). Also called: Multiple Sulfatase Deficiency Disease; Sulfatidosis, Juvenile, Austin Type; Mucosulfatidosis. Identifiers: Orphanet 585, MedGen C0268263, MONDO:0010088, OMIM 272200.

Submission:

Labcorp Genetics (formerly Invitae), Labcorp
Classification: Pathogenic for Multiple sulfatase deficiency. Last evaluated: 2020-10-19. Review status: criteria provided, single submitter. Criteria: Invitae Variant Classification Sherloc (09022015). Collection method: clinical testing. Allele origin: germline.
Comment: For these reasons, this variant has been classified as Pathogenic. The region of the SUMF1 gene that includes exon(s) 9 has been determined to be clinically significant (PMID: 25885655, 25373814, 15146462). Therefore, deletions that encompass that region are likely to disrupt protein function and cause disease. This variant has not been reported in the literature in individuals with SUMF1-related conditions. This variant is a gross deletion of the genomic region encompassing exon(s) 5-9 of the SUMF1 gene. The 5' boundary is likely confined to intron 4. The 3' end of this event is unknown as it extends through the termination codon beyond the assayed region for this gene and may encompass additional genes. While this deletion is not anticipated to lead to nonsense mediated decay, it is expected to alter mRNA translation or result in a truncated protein product.

Literature cited by the submitters: PubMed 25885655; PubMed 25373814; PubMed 15146462.